The following is an entry in ClinVar:

NM_002519.3(NPAT):c.2146G>C (p.Glu716Gln)

Gene: NPAT (nuclear protein, coactivator of histone transcription; minus strand). Cytogenetic location: 11q22.3.
Variant type: single nucleotide variant.
Coding change: c.2146G>C on transcript NM_002519.3 (MANE Select); coding-DNA position 2146, G replaced by C.
Protein change: p.Glu716Gln; replaces glutamic acid 716 with glutamine.
Molecular consequence: missense variant.
Genome position (GRCh38, 1-based): chr11:108,172,838, C>G on the plus strand (G>C on the coding strand, the complement: NPAT is on the minus strand). VCF-style: chr11-108172838-C-G. GRCh37 (hg19) VCF-style: chr11-108043565-C-G.
Other names: c.2146G>C, p.Glu716Gln (NM_001321307.1); short protein forms E716Q.
Identifiers: ClinVar variation 1786658 (VCV001786658.7), dbSNP rs771500707, ClinGen allele CA6263873.
Genomic context (GRCh38, chr11:108,172,838, plus strand): 5'-TTGATGCATCTATCTCTGCTGAGTTGTTGCTAGAAGGTTTATCATCAGTATTTTGGGACT[C>G]AGGGTGAGAATCTCCCACTGAAGAACACACAGATTCTGGAGGAAGAGAGTGACTGTTTTC-3'
Protein context (NP_002510.2, residues 706-726): VCSSVGDSHP[Glu716Gln]SQNTDDKPSS

ClinVar aggregate classification (germline): Uncertain significance. Review status: criteria provided, multiple submitters, no conflicts (2 of 4 stars). 2 submissions from 2 submitters: Uncertain significance (2). Last evaluated 2025-06-04.

Allele frequency attached by ClinVar (database versions not stated): gnomAD 0.00003; TOPMed 0.00003; ExAC 0.00002; gnomAD exomes 0.00002.
gnomAD v4.1: 43 of 1,613,914 alleles (0.0027%); highest among the groups gnomAD compares: Middle Eastern, 0.13%; no homozygotes.

Submissions (2):

Labcorp Genetics (formerly Invitae), Labcorp
Classification: Uncertain significance. Last evaluated: 2025-06-04. Review status: criteria provided, single submitter. Criteria: Invitae Variant Classification Sherloc (09022015). Collection method: clinical testing. Allele origin: germline.
Comment: This sequence change replaces glutamic acid, which is acidic and polar, with glutamine, which is neutral and polar, at codon 716 of the NPAT protein (p.Glu716Gln). This variant is present in population databases (rs771500707, gnomAD 0.004%). This variant has not been reported in the literature in individuals affected with NPAT-related conditions. ClinVar contains an entry for this variant (Variation ID: 1786658). An algorithm developed to predict the effect of missense changes on protein structure and function (PolyPhen-2) suggests that this variant is likely to be disruptive. In summary, the available evidence is currently insufficient to determine the role of this variant in disease. Therefore, it has been classified as a Variant of Uncertain Significance.

Ambry Genetics
Classification: Uncertain significance. Last evaluated: 2023-12-16. Review status: criteria provided, single submitter. Criteria: Ambry Variant Classification Scheme 2023. Collection method: clinical testing. Allele origin: germline.